The following is an entry in ClinVar:

NM_016219.5(MAN1B1):c.1394A>G (p.Tyr465Cys)

Gene: MAN1B1 (mannosidase alpha class 1B member 1; plus strand). Cytogenetic location: 9q34.3.
Variant type: single nucleotide variant.
Coding change: c.1394A>G on transcript NM_016219.5 (MANE Select); coding-DNA position 1394, A replaced by G.
Protein change: p.Tyr465Cys; replaces tyrosine 465 with cysteine.
Molecular consequence: missense variant. On other transcripts: non-coding transcript variant (2).
Genome position (GRCh38, 1-based): chr9:137,106,264, A>G. VCF-style: chr9-137106264-A-G. GRCh37 (hg19) VCF-style: chr9-140000716-A-G.
Other names: short protein forms Y465C.
Identifiers: ClinVar variation 589236 (VCV000589236.5), dbSNP rs1564311870, ClinGen allele CA375655696.

ClinVar aggregate classification (germline): Uncertain significance (1 of 4 stars; one submission).

Conditions:
Inborn genetic diseases. Identifiers: MedGen C0950123, MeSH D030342.

Allele frequency attached by ClinVar (database versions not stated): gnomAD exomes below 0.00001.

Submission:

Ambry Genetics
Classification: Uncertain significance for Inborn genetic diseases. Last evaluated: 2017-05-31. Review status: criteria provided, single submitter. Criteria: Ambry Variant Classification Scheme 2023. Collection method: clinical testing. Allele origin: germline.
Comment: The p.Y465C variant (also known as c.1394A>G), located in coding exon 9 of the MAN1B1 gene, results from an A to G substitution at nucleotide position 1394. The tyrosine at codon 465 is replaced by cysteine, an amino acid with highly dissimilar properties. This amino acid position is highly conserved in available vertebrate species. In addition, this alteration is predicted to be deleterious by in silico analysis. Since supporting evidence is limited at this time, the clinical significance of this alteration remains unclear.